The following is an entry in ClinVar:

ClinVar aggregate classification (germline): Pathogenic (1 of 4 stars; one submission).

Conditions:
Galactosylceramide beta-galactosidase deficiency. Also called: GALACTOCEREBROSIDASE DEFICIENCY; GALC DEFICIENCY; GLOBOID CELL LEUKOENCEPHALOPATHY; Krabbe Disease; Leukodystrophy, Globoid Cell. Identifiers: Orphanet 487, MedGen C0023521, MONDO:0009499, OMIM 245200.

Submission:

Labcorp Genetics (formerly Invitae), Labcorp
Classification: Pathogenic for Galactosylceramide beta-galactosidase deficiency. Last evaluated: 2022-08-04. Review status: criteria provided, single submitter. Criteria: Invitae Variant Classification Sherloc (09022015). Collection method: clinical testing. Allele origin: germline.
Comment: For these reasons, this variant has been classified as Pathogenic. This premature translational stop signal has been observed in individual(s) with GALC-related conditions (PMID: 26108647, 29481565). This variant is not present in population databases (gnomAD no frequency). This sequence change creates a premature translational stop signal (p.Trp132*) in the GALC gene. It is expected to result in an absent or disrupted protein product. Loss-of-function variants in GALC are known to be pathogenic (PMID: 7437911, 9272171, 16607461).

Literature cited by the submitters: PubMed 26108647; PubMed 29481565; PubMed 7437911; PubMed 9272171; PubMed 16607461.

NM_000153.4(GALC):c.395G>A (p.Trp132Ter)

Gene: GALC (galactosylceramidase; minus strand). Cytogenetic location: 14q31.3.
Variant type: single nucleotide variant.
Coding change: c.395G>A on transcript NM_000153.4 (MANE Select); coding-DNA position 395, G replaced by A.
Protein change: p.Trp132Ter; replaces tryptophan 132 with a stop codon.
Molecular consequence: nonsense.
Genome position (GRCh38, 1-based): chr14:87,986,536, C>T on the plus strand (G>A on the coding strand, the complement: GALC is on the minus strand). VCF-style: chr14-87986536-C-T. GRCh37 (hg19) VCF-style: chr14-88452880-C-T.
Other names: c.326G>A, p.Trp109Ter (NM_001201401.2); c.317G>A, p.Trp106Ter (NM_001201402.2); short protein forms W106*, W132*, W109*.
Identifiers: ClinVar variation 2108935 (VCV002108935.4), dbSNP rs2503519040, ClinGen allele CA390752517.